The following is an entry in ClinVar:

ClinVar aggregate classification (germline): Uncertain significance (1 of 4 stars; one submission).

Allele frequency attached by ClinVar (database versions not stated): gnomAD exomes below 0.00001 and 0.00001; TOPMed below 0.00001; ExAC 0.00001.
gnomAD v4.1: 7 of 1,613,920 alleles (0.00043%); highest among the groups gnomAD compares: South Asian, 0.0011%; no homozygotes.

Submission:

Labcorp Genetics (formerly Invitae), Labcorp
Classification: Uncertain significance. Last evaluated: 2021-07-28. Review status: criteria provided, single submitter. Criteria: Invitae Variant Classification Sherloc (09022015). Collection method: clinical testing. Allele origin: germline.
Comment: In summary, the available evidence is currently insufficient to determine the role of this variant in disease. Therefore, it has been classified as a Variant of Uncertain Significance. Algorithms developed to predict the effect of missense changes on protein structure and function are either unavailable or do not agree on the potential impact of this missense change (SIFT: "Tolerated"; PolyPhen-2: "Probably Damaging"; Align-GVGD: "Class C0"). This variant has not been reported in the literature in individuals affected with MYLK3-related conditions. This variant is present in population databases (rs754454223, ExAC 0.002%). This sequence change replaces proline with alanine at codon 711 of the MYLK3 protein (p.Pro711Ala). The proline residue is highly conserved and there is a small physicochemical difference between proline and alanine.

NM_182493.3(MYLK3):c.2131C>G (p.Pro711Ala)

Gene: MYLK3 (myosin light chain kinase 3; minus strand). Cytogenetic location: 16q11.2.
Variant type: single nucleotide variant.
Coding change: c.2131C>G on transcript NM_182493.3 (MANE Select); coding-DNA position 2131, C replaced by G.
Protein change: p.Pro711Ala; replaces proline 711 with alanine.
Molecular consequence: missense variant.
Genome position (GRCh38, 1-based): chr16:46,710,773, G>C on the plus strand (C>G on the coding strand, the complement: MYLK3 is on the minus strand). VCF-style: chr16-46710773-G-C. GRCh37 (hg19) VCF-style: chr16-46744685-G-C.
Other names: c.1108C>G, p.Pro370Ala (NM_001308301.1); short protein forms P711A, P370A.
Identifiers: ClinVar variation 1370528 (VCV001370528.6), dbSNP rs754454223, ClinGen allele CA8037691.
Genomic context (GRCh38, chr16:46,710,773, plus strand): 5'-AATCCCAGCTACAGTTTACAATGAAATTCATGGTCTCTGCATCTGTTTCCCCTAGAAATG[G>C]GGACAAGCCACTGAGTCTATAGAAGAGAGAAAGGACCATCAGTAGGTGGAGGCCACATTT-3'
Protein context (NP_872299.2, residues 701-721): ITYMLLSGLS[Pro711Ala]FLGETDAETM